The following is an entry in ClinVar:

ClinVar aggregate classification (germline): Pathogenic (1 of 4 stars; one submission).

Conditions:
Spastic paraplegia. Identifiers: MedGen C0037772, HP:0001258.

Submission:

Labcorp Genetics (formerly Invitae), Labcorp
Classification: Pathogenic for Spastic paraplegia. Last evaluated: 2022-08-22. Review status: criteria provided, single submitter. Criteria: Invitae Variant Classification Sherloc (09022015). Collection method: clinical testing. Allele origin: germline.
Comment: This variant has not been reported in the literature in individuals affected with ZFYVE26-related conditions. This sequence change creates a premature translational stop signal (p.Glu84Argfs*44) in the ZFYVE26 gene. It is expected to result in an absent or disrupted protein product. Loss-of-function variants in ZFYVE26 are known to be pathogenic (PMID: 18394578, 19805727). This variant is not present in population databases (gnomAD no frequency). For these reasons, this variant has been classified as Pathogenic.

Literature cited by the submitters: PubMed 18394578; PubMed 19805727.

NM_015346.4(ZFYVE26):c.250del (p.Glu84fs)

Gene: ZFYVE26 (zinc finger FYVE-type containing 26; minus strand). Cytogenetic location: 14q24.1.
Variant type: Deletion.
Coding change: c.250del on transcript NM_015346.4 (MANE Select); coding-DNA position 250, one base deleted (G; older notation c.250delG).
Protein change: p.Glu84fs; shifts the reading frame from glutamic acid 84.
Molecular consequence: frameshift variant.
Genome position (GRCh38, 1-based): chr14:67,814,009, C deleted on the plus strand (G on the coding strand, the reverse complement: ZFYVE26 is on the minus strand); the first of 2 consecutive C bases (chr14:67,814,009-67,814,010); deleting either gives the same sequence. VCF-style (leftmost placement, unchanged base first): chr14-67814008-TC-T. GRCh37 (hg19) VCF-style: chr14-68280725-TC-T.
Other names: short protein forms E84fs.
Identifiers: ClinVar variation 2171180 (VCV002171180.4), dbSNP rs2502893670, ClinGen allele CA2575560271.